The following is an entry in ClinVar:

ClinVar aggregate classification (germline): Uncertain significance (1 of 4 stars; one submission).

Conditions:
3-methylglutaconic aciduria, type VIIB (MGCA7B). Also called: 3-methylglutaconic aciduria, type VII, with cataracts, neurologic involvement and neutropenia; CLPB Deficiency; 3-methylglutaconic aciduria with cataracts, neurologic involvement and neutropenia. Identifiers: Orphanet 445038, MedGen C5676893, MONDO:0014561, OMIM 616271.

Submission:

Labcorp Genetics (formerly Invitae), Labcorp
Classification: Uncertain significance for 3-methylglutaconic aciduria, type VIIB. Last evaluated: 2025-07-30. Review status: criteria provided, single submitter. Criteria: Invitae Variant Classification Sherloc (09022015). Collection method: clinical testing. Allele origin: germline.
Comment: This sequence change falls in intron 2 of the CLPB gene. It does not directly change the encoded amino acid sequence of the CLPB protein. This variant is not present in population databases (gnomAD no frequency). This variant has not been reported in the literature in individuals affected with CLPB-related conditions. Experimental studies and prediction algorithms are not available or were not evaluated, and the effect of this variant on mRNA splicing is currently unknown. In summary, the available evidence is currently insufficient to determine the role of this variant in disease. Therefore, it has been classified as a Variant of Uncertain Significance.

NM_001258392.3(CLPB):c.456-99GCCATACACTGAAAATATTCCTCTGTCTTGTTTTAGGCTGTTGTCAGAAGGTGCAGATGTCAA[4]

Gene: CLPB (ClpB family mitochondrial disaggregase; minus strand). Cytogenetic location: 11q13.4.
Variant type: Microsatellite.
Coding change: c.456-99GCCATACACTGAAAATATTCCTCTGTCTTGTTTTAGGCTGTTGTCAGAAGGTGCAGATGTCAA[4] on transcript NM_001258392.3 (MANE Select); four copies in a row of the 63-base unit GCCATACACTGAAAATATTCCTCTGTCTTGTTTTAGGCTGTTGTCAGAAGGTGCAGATGTCAA starting at c.456-99; the reference has two copies in a row; two copies, 126 bases duplicated.
Molecular consequence: splice acceptor variant. On other transcripts: intron variant (1).
Genome position (GRCh38, 1-based): chr11:72,403,026-72,403,151, 126 bases duplicated. GRCh37 (hg19), VCF-style position (the base before the change): chr11:72,114,069.
Other names: c.456-22767GCCATACACTGAAAATATTCCTCTGTCTTGTTTTAGGCTGTTGTCAGAAGGTGCAGATGTCAA[4] (NM_001258393.3); c.456-99GCCATACACTGAAAATATTCCTCTGTCTTGTTTTAGGCTGTTGTCAGAAGGTGCAGATGTCAA[4] (NM_030813.6); c.321-99GCCATACACTGAAAATATTCCTCTGTCTTGTTTTAGGCTGTTGTCAGAAGGTGCAGATGTCAA[4] (NM_001258394.3).
Identifiers: ClinVar variation 3721806 (VCV003721806.2).